The following is an entry in ClinVar:

ClinVar aggregate classification (germline): Uncertain significance (1 of 4 stars; one submission).

Allele frequency attached by ClinVar (database versions not stated): gnomAD exomes below 0.00001.
gnomAD v4.1: 2 of 1,614,254 alleles (0.00012%); highest among the groups gnomAD compares: Non-Finnish European, 0.00017%; no homozygotes.

Submission:

Laboratorio de Genetica e Diagnostico Molecular, Hospital Israelita Albert Einstein
Classification: Uncertain significance. Last evaluated: 2019-07-15. Review status: criteria provided, single submitter. Criteria: ACMG Guidelines, 2015. Collection method: clinical testing. Allele origin: germline. Affected: yes.
Comment: ACMG classification criteria: PM2

NM_001282531.3(ADNP):c.2858C>T (p.Ser953Phe)

Gene: ADNP (activity dependent neuroprotector homeobox; minus strand). Cytogenetic location: 20q13.13.
Variant type: single nucleotide variant.
Coding change: c.2858C>T on transcript NM_001282531.3 (MANE Select); coding-DNA position 2858, C replaced by T.
Protein change: p.Ser953Phe; replaces serine 953 with phenylalanine.
Molecular consequence: missense variant.
Genome position (GRCh38, 1-based): chr20:50,891,856, G>A on the plus strand (C>T on the coding strand, the complement: ADNP is on the minus strand). VCF-style: chr20-50891856-G-A. GRCh37 (hg19) VCF-style: chr20-49508393-G-A.
Other names: c.2858C>T, p.Ser953Phe (NM_001282532.2, NM_001347511.2, NM_015339.5 and 1 more transcripts); short protein forms S953F.
Identifiers: ClinVar variation 1690660 (VCV001690660.2), dbSNP rs2122738152, ClinGen allele CA408967640.
Genomic context (GRCh38, chr20:50,891,856, plus strand): 5'-TCAGATGGAGAAGCACCGTCTTTCCACTCAACAACATCGTCTTGGTCAACCTCACTATCA[G>A]ATGCATTGTGCATTAGTTTGGTTGGTTCCTCAGTCAAATGAATAGTTTCGTATTTTGAAC-3'
Protein context (NP_001269460.1, residues 943-963): EEPTKLMHNA[Ser953Phe]DSEVDQDDVV